The following is an entry in ClinVar:

ClinVar aggregate classification (germline): Uncertain significance. Review status: criteria provided, multiple submitters, no conflicts (2 of 4 stars). 3 submissions from 3 submitters: Uncertain significance (3). Last evaluated 2025-04-29.

Conditions:
Hereditary cancer-predisposing syndrome. Also called: Neoplastic Syndromes, Hereditary; Hereditary neoplastic syndrome; Hereditary Cancer Syndrome; Tumor predisposition. Identifiers: Orphanet 140162, MedGen C0027672, MeSH D009386, MONDO:0015356.
Isolated focal cortical dysplasia type II (FCORD2). Also called: Focal cortical dysplasia type II; CORTICAL DYSPLASIA OF TAYLOR. Identifiers: Orphanet 268994, MedGen C1846385, MONDO:0011818, OMIM 607341, HP:0032051.
Tuberous sclerosis 2 (TSC2). Identifiers: Orphanet 805, MedGen C1860707, MONDO:0013199, OMIM 613254.

Allele frequency attached by ClinVar (database versions not stated): ESP Exome Variant Server 0.00008.
gnomAD v4.1: 27 of 1,612,870 alleles (0.0017%); highest among the groups gnomAD compares: Non-Finnish European, 0.0023%; no homozygotes.

Submissions (3):

Labcorp Genetics (formerly Invitae), Labcorp
Classification: Uncertain significance for Tuberous sclerosis 2. Last evaluated: 2025-04-29. Review status: criteria provided, single submitter. Criteria: Invitae Variant Classification Sherloc (09022015). Collection method: clinical testing. Allele origin: germline.
Comment: This sequence change falls in intron 30 of the TSC2 gene. It does not directly change the encoded amino acid sequence of the TSC2 protein. This variant is present in population databases (rs200194551, gnomAD 0.002%). This variant has not been reported in the literature in individuals affected with TSC2-related conditions. ClinVar contains an entry for this variant (Variation ID: 657785). Algorithms developed to predict the effect of sequence changes on RNA splicing suggest that this variant may disrupt the consensus splice site. In summary, the available evidence is currently insufficient to determine the role of this variant in disease. Therefore, it has been classified as a Variant of Uncertain Significance.

Ambry Genetics
Classification: Uncertain significance for Hereditary cancer-predisposing syndrome. Last evaluated: 2024-08-19. Review status: criteria provided, single submitter. Criteria: Ambry Variant Classification Scheme 2023. Collection method: clinical testing. Allele origin: germline.
Comment: The c.3611-5C>A intronic variant results from a C to A substitution 5 nucleotides upstream from coding exon 30 in the TSC2 gene. This nucleotide position is not well conserved in available vertebrate species. In silico splice site analysis predicts that this alteration will result in the creation or strengthening of a novel splice acceptor site. RNA studies have demonstrated that this alteration results in a splice defect; the clinical impact of this abnormal splicing is unknown at this time (Ambry internal data). Based on the available evidence, the clinical significance of this variant remains unclear.

Baylor Genetics
Classification: Uncertain significance for Isolated focal cortical dysplasia type II. Last evaluated: 2024-03-11. Review status: criteria provided, single submitter. Criteria: ACMG Guidelines, 2015. Collection method: clinical testing. Allele origin: unknown.

NM_000548.5(TSC2):c.3611-5C>A

Gene: TSC2 (TSC complex subunit 2; plus strand). Cytogenetic location: 16p13.3.
Variant type: single nucleotide variant.
Coding change: c.3611-5C>A on transcript NM_000548.5 (MANE Select); 5 bases into the intron before coding-DNA position 3611, C replaced by A.
Molecular consequence: intron variant.
Genome position (GRCh38, 1-based): chr16:2,081,590, C>A. VCF-style: chr16-2081590-C-A. GRCh37 (hg19) VCF-style: chr16-2131591-C-A.
Other names: c.3611-5C>A (NM_001114382.3); c.3482-5C>A (NM_021055.3, NM_001370405.1, NM_001363528.2); c.3479-5C>A (NM_001370404.1, NM_001077183.3); c.3371-5C>A (NM_001318827.2); c.2879-5C>A (NM_001318831.2); c.3335-5C>A (NM_001318829.2); c.3512-5C>A (NM_001318832.2).
Identifiers: ClinVar variation 657785 (VCV000657785.10), dbSNP rs200194551, ClinGen allele CA047858.